The following is an entry in ClinVar:

NM_033026.6(PCLO):c.15222T>A (p.His5074Gln)

Gene: PCLO (piccolo presynaptic cytomatrix protein; minus strand). Cytogenetic location: 7q21.11.
Variant type: single nucleotide variant.
Coding change: c.15222T>A on transcript NM_033026.6 (MANE Select); coding-DNA position 15222, T replaced by A.
Protein change: p.His5074Gln; replaces histidine 5074 with glutamine.
Molecular consequence: missense variant.
Genome position (GRCh38, 1-based): chr7:82,760,705, A>T on the plus strand (T>A on the coding strand, the complement: PCLO is on the minus strand). VCF-style: chr7-82760705-A-T. GRCh37 (hg19) VCF-style: chr7-82390021-A-T.
Other names: short protein forms H5074Q.
Identifiers: ClinVar variation 4736516 (VCV004736516.1).
Genomic context (GRCh38, chr7:82,760,705, plus strand): 5'-AGAATGTCCTGCAGGACTTAGACTGAATCGAAAAGTTTCATTAAACGAAGGCTCTCGATC[A>T]TGTCTGCATACTCTTGTTTTTTTCTTGATCACCTTTTTTTGGGTAGAAATATTCATCACA-3'
Protein context (NP_149015.2, residues 5064-5084): VIKKKTRVCR[His5074Gln]DREPSFNETF

ClinVar aggregate classification (germline): Uncertain significance (1 of 4 stars; one submission).

Submission:

Labcorp Genetics (formerly Invitae), Labcorp
Classification: Uncertain significance. Last evaluated: 2026-02-01. Review status: criteria provided, single submitter. Criteria: Invitae Variant Classification Sherloc (09022015). Collection method: clinical testing. Allele origin: germline.
Comment: This sequence change replaces histidine, which is basic and polar, with glutamine, which is neutral and polar, at codon 5074 of the PCLO protein (p.His5074Gln). This variant is not present in population databases (gnomAD no frequency). This variant has not been reported in the literature in individuals affected with PCLO-related conditions. Experimental studies and prediction algorithms are not available or were not evaluated, and the functional significance of this variant is currently unknown. In summary, the available evidence is currently insufficient to determine the role of this variant in disease. Therefore, it has been classified as a Variant of Uncertain Significance.